The following is an entry in ClinVar:

ClinVar aggregate classification (germline): Uncertain significance. Review status: criteria provided, multiple submitters, no conflicts (2 of 4 stars). 2 submissions from 2 submitters: Uncertain significance (2). Last evaluated 2023-09-24.

Conditions:
Myofibrillar myopathy 4. Also called: Zaspopathy (type). Identifiers: Orphanet 98912, MedGen C4721886, MONDO:0012277, OMIM 609452.
Cardiovascular phenotype. Identifiers: MedGen CN230736.

Allele frequency attached by ClinVar (database versions not stated): gnomAD exomes below 0.00001 and 0.00001; TOPMed below 0.00001; ExAC 0.00001; gnomAD 0.00001 and 0.00002.
gnomAD v4.1: 18 of 1,613,940 alleles (0.0011%); highest among the groups gnomAD compares: South Asian, 0.018%; no homozygotes.

Submissions (2):

Labcorp Genetics (formerly Invitae), Labcorp
Classification: Uncertain significance for Myofibrillar myopathy 4. Last evaluated: 2023-09-24. Review status: criteria provided, single submitter. Criteria: Invitae Variant Classification Sherloc (09022015). Collection method: clinical testing. Allele origin: germline.
Comment: In summary, the available evidence is currently insufficient to determine the role of this variant in disease. Therefore, it has been classified as a Variant of Uncertain Significance. Experimental studies and prediction algorithms are not available or were not evaluated, and the functional significance of this variant is currently unknown. This variant has not been reported in the literature in individuals affected with LDB3-related conditions. This variant is present in population databases (rs770525232, gnomAD 0.007%). This sequence change replaces threonine, which is neutral and polar, with alanine, which is neutral and non-polar, at codon 632 of the LDB3 protein (p.Thr632Ala). The LDB3 gene has multiple clinically relevant transcripts. This variant occurs in alternate transcript NM_007078.3, and corresponds to NM_001080116.1:c.*19389A>G in the primary transcript.

Ambry Genetics
Classification: Uncertain significance for Cardiovascular phenotype. Last evaluated: 2022-09-13. Review status: criteria provided, single submitter. Criteria: Ambry Variant Classification Scheme 2023. Collection method: clinical testing. Allele origin: germline.
Comment: The p.T632A variant (also known as c.1894A>G), located in coding exon 11 of the LDB3 gene, results from an A to G substitution at nucleotide position 1894. The threonine at codon 632 is replaced by alanine, an amino acid with similar properties. This amino acid position is conserved. In addition, the in silico prediction for this alteration is inconclusive. Since supporting evidence is limited at this time, the clinical significance of this alteration remains unclear.

NM_007078.3(LDB3):c.1894A>G (p.Thr632Ala)

Gene: LDB3 (LIM domain binding 3; plus strand). Cytogenetic location: 10q23.2.
Variant type: single nucleotide variant.
Coding change: c.1894A>G on transcript NM_007078.3 (MANE Select); coding-DNA position 1894, A replaced by G.
Protein change: p.Thr632Ala; replaces threonine 632 with alanine.
Molecular consequence: missense variant.
Genome position (GRCh38, 1-based): chr10:86,718,763, A>G. VCF-style: chr10-86718763-A-G. GRCh37 (hg19) VCF-style: chr10-88478520-A-G.
Other names: c.1894A>G (LRG_385t1); c.1564A>G, p.Thr522Ala (NM_001080114.2); c.1909A>G, p.Thr637Ala (NM_001171610.2); c.1705A>G, p.Thr569Ala (NM_001368064.1, NM_001368065.1); c.1753A>G, p.Thr585Ala (NM_001368066.1); short protein forms T632A, T569A, T522A, T585A, T637A.
Identifiers: ClinVar variation 566525 (VCV000566525.11), dbSNP rs770525232, ClinGen allele CA5585257.